The following is an entry in ClinVar:

NM_001042492.3(NF1):c.999C>T (p.Tyr333=)

Gene: NF1 (neurofibromin 1; plus strand). Cytogenetic location: 17q11.2.
Variant type: single nucleotide variant.
Coding change: c.999C>T on transcript NM_001042492.3 (MANE Select); coding-DNA position 999, C replaced by T.
Protein change: p.Tyr333=; no amino-acid change (tyrosine 333 retained).
Molecular consequence: synonymous variant.
Genome position (GRCh38, 1-based): chr17:31,200,532, C>T. VCF-style: chr17-31200532-C-T. GRCh37 (hg19) VCF-style: chr17-29527550-C-T.
Other names: c.999C>T, p.Tyr333= (NM_001128147.3, NM_000267.4).
Identifiers: ClinVar variation 1123999 (VCV001123999.11), dbSNP rs1466912192, ClinGen allele CA499218461.

ClinVar aggregate classification (germline): Likely benign. Review status: criteria provided, multiple submitters, no conflicts (2 of 4 stars). 4 submissions from 4 submitters: Likely benign (4). Last evaluated 2025-01-14.

Conditions:
Neurofibromatosis, type 1 (NF1). Also called: NEUROFIBROMATOSIS, TYPE I, SOMATIC; Peripheral type neurofibromatosis; Neurofibromatosis, type I; VON RECKLINGHAUSEN DISEASE. Identifiers: Orphanet 636, MedGen C0027831, MONDO:0018975, OMIM 162200. Disease mechanism: loss of function.
Hereditary cancer-predisposing syndrome. Also called: Neoplastic Syndromes, Hereditary; Tumor predisposition; Hereditary Cancer Syndrome; Hereditary neoplastic syndrome. Identifiers: Orphanet 140162, MedGen C0027672, MeSH D009386, MONDO:0015356.
Cardiovascular phenotype. Identifiers: MedGen CN230736.

Allele frequency attached by ClinVar (database versions not stated): gnomAD exomes below 0.00001 and 0.00001.
gnomAD v4.1: 10 of 1,614,154 alleles (0.00062%); highest among the groups gnomAD compares: Non-Finnish European, 0.00076%; no homozygotes.

Submissions (4):

Labcorp Genetics (formerly Invitae), Labcorp
Classification: Likely benign for Neurofibromatosis, type 1. Last evaluated: 2025-01-14. Review status: criteria provided, single submitter. Criteria: Invitae Variant Classification Sherloc (09022015). Collection method: clinical testing. Allele origin: germline.

Genome-Nilou Lab
Classification: Likely benign for Neurofibromatosis, type 1. Last evaluated: 2022-03-15. Review status: criteria provided, single submitter. Criteria: ACMG Guidelines, 2015. Collection method: clinical testing. Allele origin: germline. Affected: no.

Ambry Genetics
Classification: Likely benign for Cardiovascular phenotype; Hereditary cancer-predisposing syndrome. Last evaluated: 2019-06-18. Review status: criteria provided, single submitter. Criteria: Ambry Variant Classification Scheme 2023. Collection method: clinical testing. Allele origin: germline.

GeneDx
Classification: Likely benign. Last evaluated: 2018-09-20. Review status: criteria provided, single submitter. Criteria: GeneDx Variant Classification Process June 2021. Collection method: clinical testing. Allele origin: germline. Affected: yes.
Comment: See Variant Classification Assertion Criteria.